The following is an entry in ClinVar:

ClinVar aggregate classification (germline): Uncertain significance. Review status: criteria provided, multiple submitters, no conflicts (2 of 4 stars). 3 submissions from 3 submitters: Uncertain significance (3). Last evaluated 2025-03-19.

Conditions:
Hereditary cancer-predisposing syndrome. Also called: Neoplastic Syndromes, Hereditary; Hereditary Cancer Syndrome; Tumor predisposition; Hereditary neoplastic syndrome. Identifiers: Orphanet 140162, MedGen C0027672, MeSH D009386, MONDO:0015356.

gnomAD v4.1: 1 of 1,614,196 alleles (0.000062%); no homozygotes.

Submissions (3):

Ambry Genetics
Classification: Uncertain significance for Hereditary cancer-predisposing syndrome. Last evaluated: 2025-03-19. Review status: criteria provided, single submitter. Criteria: Ambry Variant Classification Scheme 2023. Collection method: clinical testing. Allele origin: germline.
Comment: The p.Q39R variant (also known as c.116A>G), located in coding exon 2 of the POLE gene, results from an A to G substitution at nucleotide position 116. The glutamine at codon 39 is replaced by arginine, an amino acid with highly similar properties. This amino acid position is well conserved in available vertebrate species. In addition, this alteration is predicted to be tolerated by in silico analysis. Based on the available evidence, the clinical significance of this variant remains unclear.

Labcorp Genetics (formerly Invitae), Labcorp
Classification: Uncertain significance. Last evaluated: 2024-06-25. Review status: criteria provided, single submitter. Criteria: Invitae Variant Classification Sherloc (09022015). Collection method: clinical testing. Allele origin: germline.
Comment: This sequence change replaces glutamine, which is neutral and polar, with arginine, which is basic and polar, at codon 39 of the POLE protein (p.Gln39Arg). This variant is present in population databases (no rsID available, gnomAD 0.006%). This variant has not been reported in the literature in individuals affected with POLE-related conditions. ClinVar contains an entry for this variant (Variation ID: 2446059). Advanced modeling of protein sequence and biophysical properties (such as structural, functional, and spatial information, amino acid conservation, physicochemical variation, residue mobility, and thermodynamic stability) performed at Invitae indicates that this missense variant is not expected to disrupt POLE protein function with a negative predictive value of 80%. In summary, the available evidence is currently insufficient to determine the role of this variant in disease. Therefore, it has been classified as a Variant of Uncertain Significance.

GeneDx
Classification: Uncertain significance. Last evaluated: 2022-09-27. Review status: criteria provided, single submitter. Criteria: GeneDx Variant Classification Process June 2021. Collection method: clinical testing. Allele origin: germline. Affected: yes.
Comment: Not observed at significant frequency in large population cohorts (gnomAD); In silico analysis supports that this missense variant does not alter protein structure/function; Has not been previously published as pathogenic or benign to our knowledge

NM_006231.4(POLE):c.116A>G (p.Gln39Arg)

Gene: POLE (DNA polymerase epsilon, catalytic subunit; minus strand). Cytogenetic location: 12q24.33.
Variant type: single nucleotide variant.
Coding change: c.116A>G on transcript NM_006231.4 (MANE Select); coding-DNA position 116, A replaced by G.
Protein change: p.Gln39Arg; replaces glutamine 39 with arginine.
Molecular consequence: missense variant.
Genome position (GRCh38, 1-based): chr12:132,681,226, T>C on the plus strand (A>G on the coding strand, the complement: POLE is on the minus strand). VCF-style: chr12-132681226-T-C. GRCh37 (hg19) VCF-style: chr12-133257812-T-C.
Other names: short protein forms Q39R.
Identifiers: ClinVar variation 2446059 (VCV002446059.4), dbSNP rs1467498021, ClinGen allele CA387370304.